The following is an entry in ClinVar:

NM_014423.4(AFF4):c.290A>G (p.Gln97Arg)

Gene: AFF4 (ALF transcription elongation factor 4; minus strand). Cytogenetic location: 5q31.1.
Variant type: single nucleotide variant.
Coding change: c.290A>G on transcript NM_014423.4 (MANE Select); coding-DNA position 290, A replaced by G.
Protein change: p.Gln97Arg; replaces glutamine 97 with arginine.
Molecular consequence: missense variant.
Genome position (GRCh38, 1-based): chr5:132,934,775, T>C on the plus strand (A>G on the coding strand, the complement: AFF4 is on the minus strand). VCF-style: chr5-132934775-T-C. GRCh37 (hg19) VCF-style: chr5-132270467-T-C.
Other names: c.290A>G (NM_014423.3); short protein forms Q97R.
Identifiers: ClinVar variation 3696337 (VCV003696337.3).

ClinVar aggregate classification (germline): Uncertain significance. Review status: criteria provided, multiple submitters, no conflicts (2 of 4 stars). 2 submissions from 2 submitters: Uncertain significance (2). Last evaluated 2025-08-13.

Conditions:
Cognitive impairment - coarse facies - heart defects - obesity - pulmonary involvement - short stature - skeletal dysplasia syndrome. Also called: COGNITIVE IMPAIRMENT, COARSE FACIES, HEART DEFECTS, OBESITY, PULMONARY INVOLVEMENT, SHORT STATURE, AND SKELETAL DYSPLASIA; Chops syndrome; AFF4-Related CHOPS Syndrome. Identifiers: Orphanet 444077, MedGen C4085597, MONDO:0014609, OMIM 616368.
Inborn genetic diseases. Identifiers: MedGen C0950123, MeSH D030342.

gnomAD v4.1: 4 of 1,614,172 alleles (0.00025%); highest among the groups gnomAD compares: East Asian, 0.0045%; no homozygotes.

Submissions (2):

Ambry Genetics
Classification: Uncertain significance for Inborn genetic diseases. Last evaluated: 2025-08-13. Review status: criteria provided, single submitter. Criteria: Ambry Variant Classification Scheme 2023. Collection method: clinical testing. Allele origin: germline.

Labcorp Genetics (formerly Invitae), Labcorp
Classification: Uncertain significance for Cognitive impairment - coarse facies - heart defects - obesity - pulmonary involvement - short stature - skeletal dysplasia syndrome. Last evaluated: 2024-04-18. Review status: criteria provided, single submitter. Criteria: Invitae Variant Classification Sherloc (09022015). Collection method: clinical testing. Allele origin: germline.
Comment: This sequence change replaces glutamine, which is neutral and polar, with arginine, which is basic and polar, at codon 97 of the AFF4 protein (p.Gln97Arg). This variant is present in population databases (rs779991002, gnomAD 0.006%). This variant has not been reported in the literature in individuals affected with AFF4-related conditions. Advanced modeling of protein sequence and biophysical properties (such as structural, functional, and spatial information, amino acid conservation, physicochemical variation, residue mobility, and thermodynamic stability) performed at Invitae indicates that this missense variant is not expected to disrupt AFF4 protein function with a negative predictive value of 80%. In summary, the available evidence is currently insufficient to determine the role of this variant in disease. Therefore, it has been classified as a Variant of Uncertain Significance.